The following is an entry in ClinVar:

NM_139248.3(LIPH):c.917T>C (p.Leu306Pro)

Gene: LIPH (lipase H; minus strand). Cytogenetic location: 3q27.2.
Variant type: single nucleotide variant.
Coding change: c.917T>C on transcript NM_139248.3 (MANE Select); coding-DNA position 917, T replaced by C.
Protein change: p.Leu306Pro; replaces leucine 306 with proline.
Molecular consequence: missense variant.
Genome position (GRCh38, 1-based): chr3:185,517,132, A>G on the plus strand (T>C on the coding strand, the complement: LIPH is on the minus strand). VCF-style: chr3-185517132-A-G. GRCh37 (hg19) VCF-style: chr3-185234920-A-G.
Other names: short protein forms L306P.
Identifiers: ClinVar variation 2712075 (VCV002712075.3), dbSNP rs950306164, ClinGen allele CA89578244.
Genomic context (GRCh38, chr3:185,517,132, plus strand): 5'-AATGGGCTCTCCTCAGCTGTGTCAAAGAATGCCTTCGTCATTGGAGGATCTTTCCCCCTT[A>G]GATGGTCTTTCCAATTATCAGCATAATAGCCTATGAAACAAGTTTAAAAAATTGTAAGAT-3'
Protein context (NP_640341.1, residues 296-316): GYYADNWKDH[Leu306Pro]RGKDPPMTKA

ClinVar aggregate classification (germline): Uncertain significance (1 of 4 stars; one submission).

Allele frequency attached by ClinVar (database versions not stated): gnomAD exomes 0.00001; TOPMed 0.00001.
gnomAD v4.1: 9 of 1,610,552 alleles (0.00056%); highest among the groups gnomAD compares: Non-Finnish European, 0.00068%; no homozygotes.

Submission:

Labcorp Genetics (formerly Invitae), Labcorp
Classification: Uncertain significance. Last evaluated: 2023-06-09. Review status: criteria provided, single submitter. Criteria: Invitae Variant Classification Sherloc (09022015). Collection method: clinical testing. Allele origin: germline.
Comment: In summary, the available evidence is currently insufficient to determine the role of this variant in disease. Therefore, it has been classified as a Variant of Uncertain Significance. An algorithm developed to predict the effect of missense changes on protein structure and function (PolyPhen-2) suggests that this variant is likely to be disruptive. This variant has not been reported in the literature in individuals affected with LIPH-related conditions. This variant is present in population databases (no rsID available, gnomAD no frequency). This sequence change replaces leucine, which is neutral and non-polar, with proline, which is neutral and non-polar, at codon 306 of the LIPH protein (p.Leu306Pro).